The following is an entry in ClinVar:

NM_001184.4(ATR):c.1264A>G (p.Ser422Gly)

Gene: ATR (ATR checkpoint kinase; minus strand). Cytogenetic location: 3q23.
Variant type: single nucleotide variant.
Coding change: c.1264A>G on transcript NM_001184.4 (MANE Select); coding-DNA position 1264, A replaced by G.
Protein change: p.Ser422Gly; replaces serine 422 with glycine.
Molecular consequence: missense variant.
Genome position (GRCh38, 1-based): chr3:142,561,328, T>C on the plus strand (A>G on the coding strand, the complement: ATR is on the minus strand). VCF-style: chr3-142561328-T-C. GRCh37 (hg19) VCF-style: chr3-142280170-T-C.
Other names: c.1264A>G, p.Ser422Gly (NM_001354579.2); short protein forms S422G.
Identifiers: ClinVar variation 1763768 (VCV001763768.5), dbSNP rs2034870747, ClinGen allele CA354823290.

ClinVar aggregate classification (germline): Uncertain significance. Review status: criteria provided, multiple submitters, no conflicts (2 of 4 stars). 3 submissions from 3 submitters: Uncertain significance (3). Last evaluated 2024-10-11.

Conditions:
Inborn genetic diseases. Identifiers: MedGen C0950123, MeSH D030342.

Allele frequency attached by ClinVar (database versions not stated): gnomAD exomes below 0.00001.
gnomAD v4.1: 1 of 1,614,136 alleles (0.000062%); highest among the groups gnomAD compares: African/African-American, 0.0013%; no homozygotes.

Submissions (3):

Labcorp Genetics (formerly Invitae), Labcorp
Classification: Uncertain significance. Last evaluated: 2024-10-11. Review status: criteria provided, single submitter. Criteria: Invitae Variant Classification Sherloc (09022015). Collection method: clinical testing. Allele origin: germline.
Comment: This sequence change replaces serine, which is neutral and polar, with glycine, which is neutral and non-polar, at codon 422 of the ATR protein (p.Ser422Gly). This variant is not present in population databases (gnomAD no frequency). This variant has not been reported in the literature in individuals affected with ATR-related conditions. ClinVar contains an entry for this variant (Variation ID: 1763768). An algorithm developed to predict the effect of missense changes on protein structure and function outputs the following: PolyPhen-2: "Benign". The glycine amino acid residue is found in multiple mammalian species, which suggests that this missense change does not adversely affect protein function. In summary, the available evidence is currently insufficient to determine the role of this variant in disease. Therefore, it has been classified as a Variant of Uncertain Significance.

Ambry Genetics
Classification: Uncertain significance for Inborn genetic diseases. Last evaluated: 2021-07-23. Review status: criteria provided, single submitter. Criteria: Ambry Variant Classification Scheme 2023. Collection method: clinical testing. Allele origin: germline.
Comment: The p.S422G variant (also known as c.1264A>G), located in coding exon 5 of the ATR gene, results from an A to G substitution at nucleotide position 1264. The serine at codon 422 is replaced by glycine, an amino acid with similar properties. This amino acid position is conserved. In addition, this alteration is predicted to be tolerated by in silico analysis. Since supporting evidence is limited at this time, the clinical significance of this alteration remains unclear.

Breakthrough Genomics
Classification: Uncertain significance. Review status: criteria provided, single submitter. Criteria: ACMG Guidelines, 2015. Collection method: not provided. Allele origin: germline. Inheritance: Autosomal recessive inheritance. Affected: yes.